The following is an entry in ClinVar:

ClinVar aggregate classification (germline): Likely benign (1 of 4 stars; one submission).

Allele frequency attached by ClinVar (database versions not stated): ExAC 0.00001.

Submission:

CeGaT Center for Human Genetics Tuebingen
Classification: Likely benign. Last evaluated: 2022-11-01. Review status: criteria provided, single submitter. Criteria: CeGaT Center For Human Genetics Tuebingen Variant Classification Criteria Version 2. Collection method: clinical testing. Allele origin: germline. Affected: yes. Observed: 1 variant allele.
Comment: EXOC8: BP4, BP7

NM_175876.5(EXOC8):c.238C>T (p.Leu80=)

Gene: EXOC8 (exocyst complex component 8; minus strand). Cytogenetic location: 1q42.2.
Variant type: single nucleotide variant.
Coding change: c.238C>T on transcript NM_175876.5 (MANE Select); coding-DNA position 238, C replaced by T.
Protein change: p.Leu80=; no amino-acid change (leucine 80 retained).
Molecular consequence: synonymous variant.
Genome position (GRCh38, 1-based): chr1:231,337,508, G>A on the plus strand (C>T on the coding strand, the complement: EXOC8 is on the minus strand). VCF-style: chr1-231337508-G-A. GRCh37 (hg19) VCF-style: chr1-231473254-G-A.
Identifiers: ClinVar variation 2640079 (VCV002640079.24), dbSNP rs141851139, ClinGen allele CA1452521.